The following is an entry in ClinVar:

NM_000089.4(COL1A2):c.3769A>G (p.Met1257Val)

Gene: COL1A2 (collagen type I alpha 2 chain; plus strand). Cytogenetic location: 7q21.3.
Variant type: single nucleotide variant.
Coding change: c.3769A>G on transcript NM_000089.4 (MANE Select); coding-DNA position 3769, A replaced by G.
Protein change: p.Met1257Val; replaces methionine 1257 with valine.
Molecular consequence: missense variant.
Genome position (GRCh38, 1-based): chr7:94,429,245, A>G. VCF-style: chr7-94429245-A-G. GRCh37 (hg19) VCF-style: chr7-94058557-A-G.
Other names: short protein forms M1257V.
Identifiers: ClinVar variation 1024351 (VCV001024351.10), dbSNP rs1792350190, ClinGen allele CA368226706.

ClinVar aggregate classification (germline): Uncertain significance (1 of 4 stars; one submission).

Conditions:
Osteogenesis imperfecta type I (OI1). Also called: OI, TYPE I; OSTEOGENESIS IMPERFECTA TARDA; OSTEOGENESIS IMPERFECTA WITH BLUE SCLERAE; Osteogenesis imperfecta type 1; Classic Non-deforming Osteogenesis Imperfecta with Blue Sclerae; Lobstein's Disease. Identifiers: Orphanet 216796, Orphanet 666, MedGen C0023931, MONDO:0008146, OMIM 166200. Disease mechanism: loss of function.
Ehlers-Danlos syndrome, classic type, 1 (EDSCL1). Also called: EHLERS-DANLOS SYNDROME, GRAVIS TYPE; EHLERS-DANLOS SYNDROME, SEVERE CLASSIC TYPE; EDS I; Ehlers-Danlos Syndrome, Classic Type, COL5A1-Related; Ehlers-Danlos syndrome, type 1. Identifiers: MedGen C0268335, MONDO:0019567, OMIM 130000.

Allele frequency attached by ClinVar (database versions not stated): gnomAD exomes below 0.00001.

Submission:

Labcorp Genetics (formerly Invitae), Labcorp
Classification: Uncertain significance for Osteogenesis imperfecta type I; Ehlers-Danlos syndrome, classic type, 1. Last evaluated: 2020-05-23. Review status: criteria provided, single submitter. Criteria: Invitae Variant Classification Sherloc (09022015). Collection method: clinical testing. Allele origin: germline.
Comment: Algorithms developed to predict the effect of missense changes on protein structure and function are either unavailable or do not agree on the potential impact of this missense change (SIFT: "Deleterious"; PolyPhen-2: "Not Available"; Align-GVGD: "Class C0"). This sequence change replaces methionine with valine at codon 1257 of the COL1A2 protein (p.Met1257Val). The methionine residue is highly conserved and there is a small physicochemical difference between methionine and valine. This variant is not present in population databases (ExAC no frequency). This variant has not been reported in the literature in individuals with COL1A2-related conditions. In summary, the available evidence is currently insufficient to determine the role of this variant in disease. Therefore, it has been classified as a Variant of Uncertain Significance.